The following is an entry in ClinVar:

ClinVar aggregate classification (germline): Likely benign (1 of 4 stars; one submission).

Allele frequency attached by ClinVar (database versions not stated): 1000 Genomes Project 0.00100; TOPMed 0.00116; gnomAD 0.00123; 1000 Genomes Project 30x 0.00141; gnomAD exomes 0.00177.
gnomAD v4.1: 2,155 of 1,267,198 alleles (0.17%); highest among the groups gnomAD compares: Non-Finnish European, 0.19%; 3 homozygotes.

Submission:

CeGaT Center for Human Genetics Tuebingen
Classification: Likely benign. Last evaluated: 2022-05-01. Review status: criteria provided, single submitter. Criteria: CeGaT Center For Human Genetics Tuebingen Variant Classification Criteria Version 2. Collection method: clinical testing. Allele origin: germline. Affected: yes. Observed: 1 variant allele.
Comment: KLHL35: BP4, BP7

NM_001039548.3(KLHL35):c.513C>G (p.Ala171=)

Gene: KLHL35 (kelch like family member 35; minus strand). Cytogenetic location: 11q13.4.
Variant type: single nucleotide variant.
Coding change: c.513C>G on transcript NM_001039548.3 (MANE Select); coding-DNA position 513, C replaced by G.
Protein change: p.Ala171=; no amino-acid change (alanine 171 retained).
Molecular consequence: synonymous variant.
Genome position (GRCh38, 1-based): chr11:75,430,117, G>C on the plus strand (C>G on the coding strand, the complement: KLHL35 is on the minus strand). VCF-style: chr11-75430117-G-C. GRCh37 (hg19) VCF-style: chr11-75141162-G-C.
Identifiers: ClinVar variation 2642155 (VCV002642155.24), dbSNP rs141124271, ClinGen allele CA224682584.
Genomic context (GRCh38, chr11:75,430,117, plus strand): 5'-GAAGTCGGCGTGGCGCGCCACCTCGGCGAAGGCCTGACGCAGGACGCGGCCGCAGCGCTC[G>C]GCCAGCGGGGCCAGCGAGAAGGCGGCGGCCACGCGGCGCAGCGCTAGGCTGTTGGCGGCG-3'
Protein context (NP_001034637.2, residues 161-181): VAAAFSLAPL[Ala171=]ERCGRVLRQA